The following is an entry in ClinVar:

NM_025114.4(CEP290):c.3102A>G (p.Leu1034=)

Gene: CEP290 (centrosomal protein 290; minus strand). Cytogenetic location: 12q21.32.
Variant type: single nucleotide variant.
Coding change: c.3102A>G on transcript NM_025114.4 (MANE Select); coding-DNA position 3102, A replaced by G.
Protein change: p.Leu1034=; no amino-acid change (leucine 1034 retained).
Molecular consequence: synonymous variant.
Genome position (GRCh38, 1-based): chr12:88,096,889, T>C on the plus strand (A>G on the coding strand, the complement: CEP290 is on the minus strand). VCF-style: chr12-88096889-T-C. GRCh37 (hg19) VCF-style: chr12-88490666-T-C.
Identifiers: ClinVar variation 285915 (VCV000285915.9), dbSNP rs201160801, ClinGen allele CA6712220.

ClinVar aggregate classification (germline): Conflicting classifications of pathogenicity. Review status: criteria provided, conflicting classifications (1 of 4 stars). 3 submissions from 3 submitters: Uncertain significance (2); Likely benign (1). Last evaluated 2022-03-25.

Conditions:
Meckel-Gruber syndrome. Also called: DYSENCEPHALIA SPLANCHNOCYSTICA; GRUBER SYNDROME; Dysencephalia splachnocystica. Identifiers: Orphanet 564, MedGen C0265215, MONDO:0018921.
Nephronophthisis. Also called: Juvenile Nephronophthisis. Identifiers: Orphanet 655, MedGen C0687120, MONDO:0019005, HP:0000090.
Joubert syndrome. Also called: JOUBERT-BOLTSHAUSER SYNDROME; Familial aplasia of the vermis. Identifiers: Orphanet 475, MedGen C5979921, MONDO:0018772.

Allele frequency attached by ClinVar (database versions not stated): gnomAD exomes 0.00002 and 0.00005; ESP Exome Variant Server 0.00009; ExAC 0.00021; gnomAD 0.00027 and 0.00029; 1000 Genomes Project 30x 0.00031; TOPMed 0.00032; 1000 Genomes Project 0.00040.
gnomAD v4.1: 69 of 1,468,520 alleles (0.0047%); highest among the groups gnomAD compares: African/African-American, 0.092%; no homozygotes.

Submissions (3):

Blueprint Genetics
Classification: Likely benign. Last evaluated: 2022-03-25. Review status: criteria provided, single submitter. Criteria: ACMG Guidelines, 2015. Collection method: clinical testing. Allele origin: germline.

Labcorp Genetics (formerly Invitae), Labcorp
Classification: Uncertain significance for Joubert syndrome; Meckel-Gruber syndrome; Nephronophthisis. Last evaluated: 2021-09-17. Review status: criteria provided, single submitter. Criteria: Invitae Variant Classification Sherloc (09022015). Collection method: clinical testing. Allele origin: germline.
Comment: This sequence change affects codon 1034 of the CEP290 mRNA. It is a 'silent' change, meaning that it does not change the encoded amino acid sequence of the CEP290 protein. This variant is present in population databases (rs201160801, ExAC 0.2%). This variant has not been reported in the literature in individuals with CEP290-related conditions. ClinVar contains an entry for this variant (Variation ID: 285915). Algorithms developed to predict the effect of sequence changes on RNA splicing suggest that this variant is not likely to affect RNA splicing, but this prediction has not been confirmed by published transcriptional studies. In summary, the available evidence is currently insufficient to determine the role of this variant in disease. Therefore, it has been classified as a Variant of Uncertain Significance.

Eurofins Ntd Llc (ga)
Classification: Uncertain significance. Last evaluated: 2016-02-01. Review status: criteria provided, single submitter. Criteria: EGL Classification Definitions 2015. Collection method: clinical testing. Allele origin: germline. Observed: 1 variant allele, 1 heterozygote.